The following is an entry in ClinVar:

ClinVar aggregate classification (germline): Uncertain significance (1 of 4 stars; one submission).

Allele frequency attached by ClinVar (database versions not stated): gnomAD exomes below 0.00001.
gnomAD v4.1: 2 of 1,572,078 alleles (0.00013%); highest among the groups gnomAD compares: Non-Finnish European, 0.00017%; no homozygotes.

Submission:

CeGaT Center for Human Genetics Tuebingen
Classification: Uncertain significance. Last evaluated: 2022-05-01. Review status: criteria provided, single submitter. Criteria: CeGaT Center For Human Genetics Tuebingen Variant Classification Criteria Version 2. Collection method: clinical testing. Allele origin: germline. Affected: yes. Observed: 1 variant allele.
Comment: GABRB3: PM2, PP2, BP4

NM_021912.5(GABRB3):c.19G>A (p.Glu7Lys)

Gene: GABRB3 (gamma-aminobutyric acid type A receptor subunit beta3; minus strand). Cytogenetic location: 15q12.
Variant type: single nucleotide variant.
Coding change: c.19G>A on transcript NM_021912.5; coding-DNA position 19, G replaced by A.
Protein change: p.Glu7Lys; replaces glutamic acid 7 with lysine.
Molecular consequence: missense variant.
Genome position (GRCh38, 1-based): chr15:26,773,706, C>T on the plus strand (G>A on the coding strand, the complement: GABRB3 is on the minus strand). VCF-style: chr15-26773706-C-T. GRCh37 (hg19) VCF-style: chr15-27018853-C-T.
Other names: short protein forms E7K.
Identifiers: ClinVar variation 1694734 (VCV001694734.28), dbSNP rs2140201211, ClinGen allele CA391465839.
Genomic context (GRCh38, chr15:26,773,706, plus strand): 5'-TGCGGGGCTCAGAGCCTCGGGTCCCCAGGGTCCAGGAGAGCCAGATGGGCAGCAGGAGCT[C>T]CAGGAGCCCGGAGCACATGGCGCTGTTCCTCCGGCCTAACCTGCTGGGATCCGCTCTCCC-3'